The following is an entry in ClinVar:

NM_005359.6(SMAD4):c.276T>C (p.His92=)

Gene: SMAD4 (SMAD family member 4; plus strand). Cytogenetic location: 18q21.2.
Variant type: single nucleotide variant.
Coding change: c.276T>C on transcript NM_005359.6 (MANE Select); coding-DNA position 276, T replaced by C.
Protein change: p.His92=; no amino-acid change (histidine 92 retained).
Molecular consequence: synonymous variant.
Genome position (GRCh38, 1-based): chr18:51,048,712, T>C. VCF-style: chr18-51048712-T-C. GRCh37 (hg19) VCF-style: chr18-48575082-T-C.
Identifiers: ClinVar variation 183782 (VCV000183782.56), dbSNP rs762501162, ClinGen allele CA186468.
Genomic context (GRCh38, chr18:51,048,712, plus strand): 5'-TGACACATGAATAAATGGTCGTTTATTTTTCTAGGTGGCTGGTCGGAAAGGATTTCCTCA[T>C]GTGATCTATGCCCGTCTCTGGAGGTGGCCTGATCTTCACAAAAATGAACTAAAACATGTT-3'
Protein context (NP_005350.1, residues 82-102): LQVAGRKGFP[His92=]VIYARLWRWP

ClinVar aggregate classification (germline): Benign/Likely benign. Review status: criteria provided, multiple submitters, no conflicts (2 of 4 stars). 9 submissions from 9 submitters: Benign (1); Likely benign (8). Last evaluated 2025-12-16.

Conditions:
SMAD4-related disorder. Also called: SMAD4-related condition; SMAD4-Related disorders.
Familial thoracic aortic aneurysm and aortic dissection (TAAD). Also called: Thoracic aortic aneurysms and dissections. Identifiers: Orphanet 91387, MedGen C4707243, MONDO:0019625.
Hereditary cancer-predisposing syndrome. Also called: Tumor predisposition; Neoplastic Syndromes, Hereditary; Hereditary Cancer Syndrome; Hereditary neoplastic syndrome. Identifiers: Orphanet 140162, MedGen C0027672, MeSH D009386, MONDO:0015356.
Juvenile polyposis syndrome (JPS). Identifiers: Orphanet 2929, MedGen C0345893, MONDO:0017380, OMIM 174900.
Juvenile polyposis/hereditary hemorrhagic telangiectasia syndrome (JPHT). Also called: Juvenile Polyposis Syndrome / Hereditary Hemorrhagic Telangiectasia (JPS/HHT); JP/HHT SYNDROME; JUVENILE POLYPOSIS WITH HEREDITARY HEMORRHAGIC TELANGIECTASIA; POLYPOSIS, GENERALIZED JUVENILE, WITH PULMONARY ARTERIOVENOUS MALFORMATION; TELANGIECTASIA, HEREDITARY HEMORRHAGIC, WITH JUVENILE POLYPOSIS COLI. Identifiers: Orphanet 2929, MedGen C1832942, MONDO:0008278, OMIM 175050.

Allele frequency attached by ClinVar (database versions not stated): gnomAD exomes below 0.00001 and 0.00001; gnomAD 0.00001; ExAC 0.00002; TOPMed 0.00002.
gnomAD v4.1: 9 of 1,610,372 alleles (0.00056%); highest among the groups gnomAD compares: Middle Eastern, 0.016%; no homozygotes.

Submissions (9):

Labcorp Genetics (formerly Invitae), Labcorp
Classification: Likely benign for Juvenile polyposis syndrome. Last evaluated: 2025-12-16. Review status: criteria provided, single submitter. Criteria: Invitae Variant Classification Sherloc (09022015). Collection method: clinical testing. Allele origin: germline.

PreventionGenetics, part of Exact Sciences
Classification: Likely benign for SMAD4-related condition. Last evaluated: 2025-11-12. Review status: criteria provided, single submitter. Criteria: ACMG Guidelines, 2015. Collection method: clinical testing. Allele origin: germline.
Comment: This variant is classified as likely benign based on ACMG/AMP sequence variant interpretation guidelines (Richards et al. 2015 PMID: 25741868, with internal and published modifications).

Myriad Genetics, Inc.
Classification: Benign for Juvenile polyposis/hereditary hemorrhagic telangiectasia syndrome. Last evaluated: 2025-03-18. Review status: criteria provided, single submitter. Criteria: Myriad Autosomal Dominant, Autosomal Recessive and X-Linked Classification Criteria (2023). Collection method: clinical testing. Allele origin: unknown.
Comment: This variant is considered benign. This variant is a silent/synonymous amino acid change, and it is not expected to impact splicing.

All of Us Research Program, National Institutes of Health
Classification: Likely benign for Juvenile polyposis/hereditary hemorrhagic telangiectasia syndrome. Last evaluated: 2023-12-15. Review status: criteria provided, single submitter. Criteria: ACMG Guidelines, 2015. Collection method: clinical testing. Allele origin: germline. Inheritance: Autosomal dominant inheritance. Observed: 4 variant alleles, 4 heterozygotes.
Comment: This study involves interpretation of variants in research participants for the purpose of population health screening. Participant phenotype was not available at the time of variant classification. Additional details can be found in publication PMID: 35346344, PMCID: PMC8962531

ARUP Laboratories, Molecular Genetics and Genomics, ARUP Laboratories
Classification: Likely benign. Last evaluated: 2023-01-03. Review status: criteria provided, single submitter. Criteria: ARUP Molecular Germline Variant Investigation Process 2024. Collection method: clinical testing. Allele origin: germline.

CeGaT Center for Human Genetics Tuebingen
Classification: Likely benign. Last evaluated: 2020-09-01. Review status: criteria provided, single submitter. Criteria: CeGaT Center For Human Genetics Tuebingen Variant Classification Criteria Version 2. Collection method: clinical testing. Allele origin: germline. Affected: yes. Observed: 1 variant allele.

Ambry Genetics
Classification: Likely benign for Hereditary cancer-predisposing syndrome; Familial thoracic aortic aneurysm and aortic dissection. Last evaluated: 2019-11-27. Review status: criteria provided, single submitter. Criteria: Ambry Variant Classification Scheme 2023. Collection method: clinical testing. Allele origin: germline.

Color Diagnostics, LLC DBA Color Health
Classification: Likely benign for Hereditary cancer-predisposing syndrome. Last evaluated: 2016-03-21. Review status: criteria provided, single submitter. Criteria: ACMG Guidelines, 2015. Collection method: clinical testing. Allele origin: germline.

Women's Health and Genetics/Laboratory Corporation of America, LabCorp
Classification: Likely benign. Last evaluated: 2016-03-07. Review status: criteria provided, single submitter. Criteria: LabCorp Variant Classification Summary - May 2015. Collection method: clinical testing. Allele origin: germline.
Comment: Variant summary: The c.276T>C variant affects a non-conserved nucleotide, resulting in no amino acid change. One in-silico tool predicts damaging outcome for this variant. 5/5 programs in Alamut predict that this variant does not affect normal splicing. ESE finder predicts that this variant may affect multiple ESE sites. However, these predictions are not confirmed by experimental studies. This variant is found in 2/121386 control chromosomes at a frequency of 0.0000165, which is about 8 times of maximal expected frequency of a pathogenic allele (0.000002), suggesting this variant is benign. In addition, one clinical laboratory classified this variant as likely benign. The variant of interest has not, to our knowledge, been reported in affected individuals via publications and/or reputable databases/clinical laboratories; nor evaluated for functional impact by in vivo/vitro studies. Taken together, this variant was classified as likely benign.